The following is an entry in ClinVar:

NM_002417.5(MKI67):c.7973A>G (p.Glu2658Gly)

Gene: MKI67 (marker of proliferation Ki-67; minus strand). Cytogenetic location: 10q26.2.
Variant type: single nucleotide variant.
Coding change: c.7973A>G on transcript NM_002417.5 (MANE Select); coding-DNA position 7973, A replaced by G.
Protein change: p.Glu2658Gly; replaces glutamic acid 2658 with glycine.
Molecular consequence: missense variant.
Genome position (GRCh38, 1-based): chr10:128,103,867, T>C on the plus strand (A>G on the coding strand, the complement: MKI67 is on the minus strand). VCF-style: chr10-128103867-T-C. GRCh37 (hg19) VCF-style: chr10-129902131-T-C.
Other names: NC_000010.10:g.129902131T>C; c.6893A>G, p.Glu2298Gly (NM_001145966.2); short protein forms E2298G, E2658G.
Identifiers: ClinVar variation 3052400 (VCV003052400.2), dbSNP rs146439186, ClinGen allele CA5746082.
Genomic context (GRCh38, chr10:128,103,867, plus strand): 5'-TCTTCCAGGGGTTGGGCCTTTTCCTTAGGTGCTCTTGGCCTTCTCCTGCTGGGTTCCTCT[T>C]CTACTGGGTTTGGTTTCTTCTTTGCACGTTGCTTCAATACTTTGATGCCCTCATCACCGC-3'
Protein context (NP_002408.3, residues 2648-2668): QRAKKKPNPV[Glu2658Gly]EEPSRRRPRA

ClinVar aggregate classification (germline): Likely benign (1 of 4 stars; one submission).

Conditions:
MKI67-related disorder. Also called: MKI67-related condition.

Allele frequency attached by ClinVar (database versions not stated): 1000 Genomes Project 30x 0.00016; 1000 Genomes Project 0.00020; TOPMed 0.00121; gnomAD 0.00137; ExAC 0.00161; ESP Exome Variant Server 0.00161; gnomAD exomes 0.00214.
gnomAD v4.1: 3,309 of 1,613,942 alleles (0.21%); highest among the groups gnomAD compares: Non-Finnish European, 0.25%; 4 homozygotes.

Submissions (5):

PreventionGenetics, part of Exact Sciences
Classification: Likely benign for MKI67-related condition. Last evaluated: 2022-02-04. Review status: criteria provided, single submitter. Criteria: ACMG Guidelines, 2015. Collection method: clinical testing. Allele origin: germline.
Comment: This variant is classified as likely benign based on ACMG/AMP sequence variant interpretation guidelines (Richards et al. 2015 PMID: 25741868, with internal and published modifications).

Dr. Peter K. Rogan Lab, Western University
No classification provided (evidence only). Condition: Clear cell carcinoma of kidney. Review status: no classification provided. Collection method: in vitro. Allele origin: not applicable. Functional consequence: retained intron. Not counted in ClinVar's aggregate classification.

Dr. Peter K. Rogan Lab, Western University
No classification provided (evidence only). Condition: Acute myeloid leukemia. Review status: no classification provided. Collection method: in vitro. Allele origin: not applicable. Functional consequence: retained intron. Not counted in ClinVar's aggregate classification.

Dr. Peter K. Rogan Lab, Western University
No classification provided (evidence only). Condition: Thyroid cancer, nonmedullary, 1. Review status: no classification provided. Collection method: in vitro. Allele origin: not applicable. Functional consequence: retained intron. Not counted in ClinVar's aggregate classification.

Dr. Peter K. Rogan Lab, Western University
No classification provided (evidence only). Condition: Uveal melanoma. Review status: no classification provided. Collection method: in vitro. Allele origin: not applicable. Functional consequence: retained intron. Not counted in ClinVar's aggregate classification.